The following is an entry in ClinVar:

NM_003072.5(SMARCA4):c.742A>C (p.Asn248His)

Gene: SMARCA4 (SWI/SNF related BAF chromatin remodeling complex subunit ATPase 4; plus strand). Cytogenetic location: 19p13.2.
Variant type: single nucleotide variant.
Coding change: c.742A>C on transcript NM_003072.5 (MANE Select); coding-DNA position 742, A replaced by C.
Protein change: p.Asn248His; replaces asparagine 248 with histidine.
Molecular consequence: missense variant. On other transcripts: non-coding transcript variant (1).
Genome position (GRCh38, 1-based): chr19:10,986,575, A>C. VCF-style: chr19-10986575-A-C. GRCh37 (hg19) VCF-style: chr19-11097251-A-C.
Other names: c.742A>C, p.Asn248His (NM_001128844.3, NM_001128845.2, NM_001128846.2 and 6 more transcripts); short protein forms N248H.
Identifiers: ClinVar variation 2452868 (VCV002452868.2), dbSNP rs1599953506, ClinGen allele CA404057262.

ClinVar aggregate classification (germline): Uncertain significance (1 of 4 stars; one submission).

Conditions:
Hereditary cancer-predisposing syndrome. Also called: Neoplastic Syndromes, Hereditary; Tumor predisposition; Hereditary neoplastic syndrome; Hereditary Cancer Syndrome. Identifiers: Orphanet 140162, MedGen C0027672, MeSH D009386, MONDO:0015356.

Submission:

Ambry Genetics
Classification: Uncertain significance for Hereditary cancer-predisposing syndrome. Last evaluated: 2024-03-13. Review status: criteria provided, single submitter. Criteria: Ambry Variant Classification Scheme 2023. Collection method: clinical testing. Allele origin: germline.
Comment: The p.N248H variant (also known as c.742A>C), located in coding exon 3 of the SMARCA4 gene, results from an A to C substitution at nucleotide position 742. The asparagine at codon 248 is replaced by histidine, an amino acid with similar properties. This amino acid position is well conserved in available vertebrate species. In addition, this alteration is predicted to be tolerated by in silico analysis. Missense and in-frame variants in SMARCA4 are known to cause neurodevelopmental disorders; however, such associations with rhabdoid tumor predisposition syndrome including small cell carcinoma of the ovary-hypercalcemic type (SCCOHT) are exceedingly rare (Kosho T et al. Am J Med Genet C Semin Med Genet. 2014 Sep;166C(3):262-75; Jelinic P et al. Nat Genet. 2014 May;46(5):424-6). Based on the supporting evidence, the association of this alteration with Coffin-Siris syndrome is unknown; however, the association of this alteration with rhabdoid tumor predisposition syndrome is unlikely.